The following is an entry in ClinVar:

ClinVar aggregate classification (germline): Uncertain significance (0 of 4 stars; one submission).

Submission:

Martin Pollak Laboratory,  Beth Israel Deaconess Medical Center
Classification: Uncertain significance. Review status: no assertion criteria provided. Collection method: not provided. Allele origin: unknown.
Comment: Higher UCa2+ group
ClinVar note: Converted during submission from unknown to Uncertain significance.

NM_004252.5(NHERF1):c.708C>G (p.Asp236Glu)

Gene: NHERF1 (NHERF family PDZ scaffold protein 1; plus strand). Cytogenetic location: 17q25.1.
Variant type: single nucleotide variant.
Coding change: c.708C>G on transcript NM_004252.5 (MANE Select); coding-DNA position 708, C replaced by G.
Protein change: p.Asp236Glu; replaces aspartic acid 236 with glutamic acid.
Molecular consequence: missense variant.
Genome position (GRCh38, 1-based): chr17:74,763,471, C>G. VCF-style: chr17-74763471-C-G. GRCh37 (hg19) VCF-style: chr17-72759610-C-G.
Other names: short protein forms D236E.
Identifiers: ClinVar variation 64526 (VCV000064526.3), dbSNP rs387907536, ClinGen allele CA216337.
Genomic context (GRCh38, chr17:74,763,471, plus strand): 5'-GTCCGCCATCAGGGCTGGCGGGGACGAGACCAAGCTGCTGGTGGTGGACAGGGAAACTGA[C>G]GAGTTCTTCAAGAAATGCAGAGTGATCCCATCTCAGGAGCACCTGAATGGTAAGCCAGGT-3'
Protein context (NP_004243.1, residues 226-246): TKLLVVDRET[Asp236Glu]EFFKKCRVIP